The following is an entry in ClinVar:

NM_000443.4(ABCB4):c.217C>G (p.Leu73Val)

Gene: ABCB4 (ATP binding cassette subfamily B member 4; minus strand). Cytogenetic location: 7q21.12.
Variant type: single nucleotide variant.
Coding change: c.217C>G on transcript NM_000443.4 (MANE Select); coding-DNA position 217, C replaced by G.
Protein change: p.Leu73Val; replaces leucine 73 with valine.
Molecular consequence: missense variant.
Genome position (GRCh38, 1-based): chr7:87,462,827, G>C on the plus strand (C>G on the coding strand, the complement: ABCB4 is on the minus strand). VCF-style: chr7-87462827-G-C. GRCh37 (hg19) VCF-style: chr7-87092143-G-C.
Other names: p.Leu73Val; c.217C>G, p.Leu73Val (NM_018849.3, NM_018850.3); short protein forms L73V.
Identifiers: ClinVar variation 374521 (VCV000374521.24), dbSNP rs8187788, ClinGen allele CA4327594.
Genomic context (GRCh38, chr7:87,462,827, plus strand): 5'-AGAAGTTTCCTGCAGTATCAACAAATTTGTCAGTCATCTCTCCAAATACTATCATCATGA[G>C]GGGGAGACCTGATCCGTGAGCTATGGCCATGATGGTACCCAGCGACATAAACAATTTATC-3'
Protein context (NP_000434.1, residues 63-83): MAIAHGSGLP[Leu73Val]MMIVFGEMTD

ClinVar aggregate classification (germline): Uncertain significance. Review status: criteria provided, multiple submitters, no conflicts (2 of 4 stars). 10 submissions from 10 submitters: Uncertain significance (10). Last evaluated 2026-05-05.

Conditions:
ABCB4-related disorder. Also called: ABCB4-related disorders; ABCB4-related condition.
Progressive familial intrahepatic cholestasis type 3. Also called: Low Gamma-GT Familial Intrahepatic Cholestasis; MDR3 DEFICIENCY. Identifiers: Orphanet 79305, MedGen C1865643, MONDO:0011214, OMIM 602347.
Cholestasis, intrahepatic, of pregnancy, 3. Identifiers: Orphanet 69665, MedGen C3554241, MONDO:0013995, OMIM 614972.
Low phospholipid associated cholelithiasis (GBD1). Also called: Gallstone cholecystitis; Gallbladder disease 1. Identifiers: Orphanet 69663, MedGen C2609268, MONDO:0010939, OMIM 600803.
Familial intrahepatic cholestasis. Identifiers: Orphanet 284385, MedGen CN296401, MONDO:0017290.

Allele frequency attached by ClinVar (database versions not stated): 1000 Genomes Project 0.00040; 1000 Genomes Project 30x 0.00047; ExAC 0.00064; gnomAD exomes 0.00072; gnomAD 0.00074; TOPMed 0.00083; ESP Exome Variant Server 0.00085.
gnomAD v4.1: 1,784 of 1,613,634 alleles (0.11%); highest among the groups gnomAD compares: Non-Finnish European, 0.14%; 3 homozygotes.

Submissions (10):

PreventionGenetics, part of Exact Sciences
Classification: Uncertain significance for ABCB4-related condition. Last evaluated: 2026-05-05. Review status: criteria provided, single submitter. Criteria: ACMG Guidelines, 2015. Collection method: clinical testing. Allele origin: germline.
Comment: The ABCB4 c.217C>G variant is predicted to result in the amino acid substitution p.Leu73Val. This variant has been reported in the heterozygous state in individuals with intrahepatic cholestasis, primary biliary cirrhosis, and cholelithiasis (Pauli-Magnus et al. 2004. PubMed ID: 14999697; Colombo et al. 2011. PubMed ID: 21119540; Anzivino et al. 2013. PubMed ID: 23022423; Poupon et al. 2013. PubMed ID: 23533021; Degiorgio et al. 2016. PubMed ID: 26324191; Vitale et al. 2018. PubMed ID: 29238877). This variant has also been reported, along with a chain-terminating variant in ABCB4, in an individual with low-phospholipid-associated cholelithiasis syndrome (Poupon et al. 2013. PubMed ID: 23533021, Table 1). However, this variant is also reported in 0.13% of alleles in individuals of European (Non-Finnish) descent in gnomAD v2 (as displayed in the table above) and in gnomAD v4 (available only on GRCh38), this variant is reported in 3 homozygotes, although at a similar frequency (0.14% of alleles in a subpopulation). This population data is not consistent with this variant being a primary cause of disease. Although we suspect that this variant may be benign, the clinical significance of this variant is classified as uncertain at this time due to insufficient functional and genetic evidence.

Genomenon, Inc
Classification: Uncertain significance for Familial intrahepatic cholestasis; Low phospholipid associated cholelithiasis. Last evaluated: 2026-04-14. Review status: criteria provided, single submitter. Criteria: Genomenon Sequence Variant Interpretation Standards - Updated. Collection method: curation. Allele origin: germline. Affected: yes.
Comment: ABCB4 p.Leu73Val (c.217C>G) is a missense variant that changes the amino acid at residue 73 from Leucine to Valine. This variant has been observed in at least one proband with an ABCB4-related disorder (PMID:40769470;33390354;29238877;23533021;23022423). In silico models predict that this variant is not damaging. In conclusion, we classify ABCB4 p.Leu73Val (c.217C>G) as a variant of uncertain significance.

Mayo Clinic Laboratories, Mayo Clinic
Classification: Uncertain significance. Last evaluated: 2025-10-09. Review status: criteria provided, single submitter. Criteria: ACMG Guidelines, 2015. Collection method: clinical testing. Allele origin: germline. Observed: 3 variant alleles.
Comment: BS1, BP4

Women's Health and Genetics/Laboratory Corporation of America, LabCorp
Classification: Uncertain significance. Last evaluated: 2025-05-12. Review status: criteria provided, single submitter. Criteria: LabCorp Variant Classification Summary - May 2015. Collection method: clinical testing. Allele origin: germline.
Comment: Variant summary: ABCB4 c.217C>G (p.Leu73Val) results in a conservative amino acid change in the encoded protein sequence. Algorithms developed to predict the effect of missense changes on protein structure and function are either unavailable or do not agree on the potential impact of this missense change. The variant allele was found at a frequency of 0.00072 in 251316 control chromosomes (gnomAD). This frequency is not significantly higher than estimated for a pathogenic variant in ABCB4 causing Familial Intrahepatic Cholestasis (0.00072 vs 0.0022), allowing no conclusion about variant significance. c.217C>G has been observed in individuals affected with Familial Intrahepatic Cholestasis (Colombo_2011, Anzivino_2013, Poupon_2013, Vitale_2018). These data do not allow any conclusion about variant significance. To our knowledge, no experimental evidence demonstrating an impact on protein function has been reported. The following publications have been ascertained in the context of this evaluation (PMID: 23022423, 21119540, 23533021, 31127640, 29238877). ClinVar contains an entry for this variant (Variation ID: 374521). Based on the evidence outlined above, the variant was classified as uncertain significance.

Labcorp Genetics (formerly Invitae), Labcorp
Classification: Uncertain significance. Last evaluated: 2025-01-20. Review status: criteria provided, single submitter. Criteria: Invitae Variant Classification Sherloc (09022015). Collection method: clinical testing. Allele origin: germline.
Comment: This sequence change replaces leucine, which is neutral and non-polar, with valine, which is neutral and non-polar, at codon 73 of the ABCB4 protein (p.Leu73Val). This variant is present in population databases (rs8187788, gnomAD 0.1%), and has an allele count higher than expected for a pathogenic variant. This missense change has been observed in individual(s) with liver disease (PMID: 21119540, 23533021, 29238877). ClinVar contains an entry for this variant (Variation ID: 374521). Invitae Evidence Modeling of protein sequence and biophysical properties (such as structural, functional, and spatial information, amino acid conservation, physicochemical variation, residue mobility, and thermodynamic stability) indicates that this missense variant is not expected to disrupt ABCB4 protein function with a negative predictive value of 80%. In summary, the available evidence is currently insufficient to determine the role of this variant in disease. Therefore, it has been classified as a Variant of Uncertain Significance.

Blueprint Genetics
Classification: Uncertain significance. Last evaluated: 2024-11-21. Review status: criteria provided, single submitter. Criteria: ACMG Guidelines, 2015. Collection method: clinical testing. Allele origin: germline.

Fulgent Genetics
Classification: Uncertain significance for Low phospholipid associated cholelithiasis; Progressive familial intrahepatic cholestasis type 3; Cholestasis, intrahepatic, of pregnancy, 3. Last evaluated: 2024-04-03. Review status: criteria provided, single submitter. Criteria: ACMG Guidelines, 2015. Collection method: clinical testing. Allele origin: germline.

Eurofins Ntd Llc (ga)
Classification: Uncertain significance. Last evaluated: 2018-06-27. Review status: criteria provided, single submitter. Criteria: EGL ClinVar v180209 classification definitions. Collection method: clinical testing. Allele origin: germline. Observed: 3 variant alleles, 3 heterozygotes.

Illumina Laboratory Services, Illumina
Classification: Uncertain significance for Cholestasis, intrahepatic, of pregnancy, 3. Last evaluated: 2017-04-27. Review status: criteria provided, single submitter. Criteria: ICSL Variant Classification Criteria 13 December 2019. Collection method: clinical testing. Allele origin: germline.
Comment: This variant was observed as part of a predisposition screen in an ostensibly healthy population. A literature search was performed for the gene, cDNA change, and amino acid change (where applicable). Publications were found based on this search. However, the evidence from the literature, in combination with allele frequency data from public databases where available, was not sufficient to rule this variant in or out of causing disease. Therefore, this variant is classified as a variant of unknown significance.

CeGaT Center for Human Genetics Tuebingen
Classification: Uncertain significance. Last evaluated: 2016-10-31. Review status: criteria provided, single submitter. Criteria: Praxis fuer Humangenetik Tuebingen - Variant Classification Criteria. Collection method: clinical testing. Allele origin: germline. Affected: yes. Observed: 2 variant alleles.

Literature cited by the submitters: PubMed 40769470 (cited by Genomenon, Inc); PubMed 33390354 (cited by Genomenon, Inc and Mayo Clinic Laboratories, Mayo Clinic); PubMed 29238877 (cited by 4 submitters); PubMed 23533021 (cited by 5 submitters); PubMed 23022423 (cited by 4 submitters); PubMed 14999697 (cited by Mayo Clinic Laboratories, Mayo Clinic and Eurofins Ntd Llc (ga)); PubMed 21119540 (cited by 5 submitters); PubMed 26324191 (cited by Mayo Clinic Laboratories, Mayo Clinic and Eurofins Ntd Llc (ga)); PubMed 26823041 (cited by Mayo Clinic Laboratories, Mayo Clinic); PubMed 39945383 (cited by Mayo Clinic Laboratories, Mayo Clinic); PubMed 40870862 (cited by Mayo Clinic Laboratories, Mayo Clinic); PubMed 31127640 (cited by Women's Health and Genetics/Laboratory Corporation of America, LabCorp).